The following is an entry in ClinVar:

NM_000051.4(ATM):c.3415G>A (p.Glu1139Lys)

Gene: ATM (ATM serine/threonine kinase; plus strand). Cytogenetic location: 11q22.3.
Variant type: single nucleotide variant.
Coding change: c.3415G>A on transcript NM_000051.4 (MANE Select); coding-DNA position 3415, G replaced by A.
Protein change: p.Glu1139Lys; replaces glutamic acid 1139 with lysine.
Molecular consequence: missense variant.
Genome position (GRCh38, 1-based): chr11:108,281,007, G>A. VCF-style: chr11-108281007-G-A. GRCh37 (hg19) VCF-style: chr11-108151734-G-A.
Other names: c.3415G>A, p.Glu1139Lys (NM_001351834.2); short protein forms E1139K.
Identifiers: ClinVar variation 219829 (VCV000219829.14), dbSNP rs786203048, ClinGen allele CA350432.

ClinVar aggregate classification (germline): Uncertain significance. Review status: criteria provided, multiple submitters, no conflicts (2 of 4 stars). 5 submissions from 5 submitters: Uncertain significance (5). Last evaluated 2026-01-11.

Conditions:
Hereditary cancer-predisposing syndrome. Also called: Tumor predisposition; Hereditary neoplastic syndrome; Neoplastic Syndromes, Hereditary; Hereditary Cancer Syndrome. Identifiers: Orphanet 140162, MedGen C0027672, MeSH D009386, MONDO:0015356.
Familial cancer of breast. Also called: hereditary breast carcinoma; Hereditary breast cancer; BREAST CANCER, FAMILIAL. Identifiers: Orphanet 227535, MedGen C0346153, MONDO:0016419, OMIM 114480. Disease mechanism: loss of function.
Ataxia-telangiectasia syndrome (AT). Also called: Ataxia-telangiectasia, complementation group E; AT, COMPLEMENTATION GROUP C; ATAXIA-TELANGIECTASIA, COMPLEMENTATION GROUP A; ATAXIA-TELANGIECTASIA, FRESNO VARIANT; Ataxia-telangiectasia; LOUIS-BAR SYNDROME. Identifiers: Orphanet 100, MedGen C0004135, MONDO:0008840, OMIM 208900.

Allele frequency attached by ClinVar (database versions not stated): gnomAD exomes below 0.00001.
gnomAD v4.1: 1 of 1,611,566 alleles (0.000062%); highest among the groups gnomAD compares: Admixed American, 0.0017%; no homozygotes.

Submissions (5):

Labcorp Genetics (formerly Invitae), Labcorp
Classification: Uncertain significance for Ataxia-telangiectasia syndrome. Last evaluated: 2026-01-11. Review status: criteria provided, single submitter. Criteria: Invitae Variant Classification Sherloc (09022015). Collection method: clinical testing. Allele origin: germline.
Comment: This sequence change replaces glutamic acid, which is acidic and polar, with lysine, which is basic and polar, at codon 1139 of the ATM protein (p.Glu1139Lys). This variant is not present in population databases (gnomAD no frequency). This variant has not been reported in the literature in individuals affected with ATM-related conditions. ClinVar contains an entry for this variant (Variation ID: 219829). Invitae Evidence Modeling of protein sequence and biophysical properties (such as structural, functional, and spatial information, amino acid conservation, physicochemical variation, residue mobility, and thermodynamic stability) indicates that this missense variant is not expected to disrupt ATM protein function with a negative predictive value of 95%. In summary, the available evidence is currently insufficient to determine the role of this variant in disease. Therefore, it has been classified as a Variant of Uncertain Significance.

Color Diagnostics, LLC DBA Color Health
Classification: Uncertain significance for Hereditary cancer-predisposing syndrome. Last evaluated: 2025-03-17. Review status: criteria provided, single submitter. Criteria: ACMG Guidelines, 2015. Collection method: clinical testing. Allele origin: germline.
Comment: This missense variant replaces glutamic acid with lysine at codon 1139 of the ATM protein. Computational prediction suggests that this variant may not impact protein structure and function. To our knowledge, functional studies have not been reported for this variant. This variant has not been reported in individuals affected with ATM-related disorders in the literature. This variant has not been identified in the general population by the Genome Aggregation Database (gnomAD). The available evidence is insufficient to determine the role of this variant in disease conclusively. Therefore, this variant is classified as a Variant of Uncertain Significance.

GeneDx
Classification: Uncertain significance. Last evaluated: 2024-10-22. Review status: criteria provided, single submitter. Criteria: GeneDx Variant Classification Process June 2021. Collection method: clinical testing. Allele origin: germline. Affected: yes.
Comment: Not observed at significant frequency in large population cohorts (gnomAD); In silico analysis indicates that this missense variant does not alter protein structure/function; In silico analysis is inconclusive as to whether the variant alters gene splicing. In the absence of RNA/functional studies, the actual effect of this sequence change is unknown.; Has not been previously published as pathogenic or benign to our knowledge; This variant is associated with the following publications: (PMID: 19781682)

Ambry Genetics
Classification: Uncertain significance for Hereditary cancer-predisposing syndrome. Last evaluated: 2024-10-10. Review status: criteria provided, single submitter. Criteria: Ambry Variant Classification Scheme 2023. Collection method: clinical testing. Allele origin: germline.
Comment: The p.E1139K variant (also known as c.3415G>A), located in coding exon 23 of the ATM gene, results from a G to A substitution at nucleotide position 3415. The glutamic acid at codon 1139 is replaced by lysine, an amino acid with similar properties. This amino acid position is not well conserved in available vertebrate species. In addition, this alteration is predicted to be tolerated by in silico analysis. Based on the available evidence, the clinical significance of this variant remains unclear.

Baylor Genetics
Classification: Uncertain significance for Familial cancer of breast. Last evaluated: 2022-06-24. Review status: criteria provided, single submitter. Criteria: ACMG Guidelines, 2015. Collection method: clinical testing. Allele origin: unknown.